The following is an entry in ClinVar:

NM_152564.5(VPS13B):c.3075G>A (p.Thr1025=)

Gene: VPS13B (vacuolar protein sorting 13 homolog B; plus strand). Cytogenetic location: 8q22.2.
Variant type: single nucleotide variant.
Coding change: c.3075G>A on transcript NM_152564.5 (MANE Select); coding-DNA position 3075, G replaced by A.
Protein change: p.Thr1025=; no amino-acid change (threonine 1025 retained).
Molecular consequence: synonymous variant.
Genome position (GRCh38, 1-based): chr8:99,391,697, G>A. VCF-style: chr8-99391697-G-A. GRCh37 (hg19) VCF-style: chr8-100403925-G-A.
Other names: c.3075G>A, p.Thr1025= (NM_017890.5).
Identifiers: ClinVar variation 212573 (VCV000212573.57), dbSNP rs141637316, ClinGen allele CA208741.

ClinVar aggregate classification (germline): Conflicting classifications of pathogenicity. Review status: criteria provided, conflicting classifications (1 of 4 stars). 11 submissions from 11 submitters: Uncertain significance (2); Likely benign (6). 3 of the submissions do not count toward it. Last evaluated 2026-01-26.

Conditions:
Inborn genetic diseases. Identifiers: MedGen C0950123, MeSH D030342.
Cohen syndrome (COH1). Also called: Cutis verticis gyrata, retinitis pigmentosa, and sensorineural deafness; PEPPER SYNDROME. Identifiers: Orphanet 193, MedGen C0265223, MONDO:0008999, OMIM 216550.

Allele frequency attached by ClinVar (database versions not stated): gnomAD 0.00030 and 0.00033; gnomAD exomes 0.00031 and 0.00039; TOPMed 0.00034; ESP Exome Variant Server 0.00038; ExAC 0.00041.
gnomAD v4.1: 528 of 1,613,944 alleles (0.033%); highest among the groups gnomAD compares: Middle Eastern, 0.2%; 1 homozygote.

Submissions (11):

Labcorp Genetics (formerly Invitae), Labcorp
Classification: Likely benign for Cohen syndrome. Last evaluated: 2026-01-26. Review status: criteria provided, single submitter. Criteria: Invitae Variant Classification Sherloc (09022015). Collection method: clinical testing. Allele origin: germline.

Blueprint Genetics
Classification: Likely benign. Last evaluated: 2024-11-20. Review status: criteria provided, single submitter. Criteria: ACMG Guidelines, 2015. Collection method: clinical testing. Allele origin: germline.

CeGaT Center for Human Genetics Tuebingen
Classification: Likely benign. Last evaluated: 2024-08-01. Review status: criteria provided, single submitter. Criteria: CeGaT Center For Human Genetics Tuebingen Variant Classification Criteria Version 2. Collection method: clinical testing. Allele origin: germline. Affected: yes. Observed: 7 variant alleles.
Comment: VPS13B: BP4, BP7

Genome-Nilou Lab
Classification: Likely benign for Cohen syndrome. Last evaluated: 2021-05-18. Review status: criteria provided, single submitter. Criteria: ACMG Guidelines, 2015. Collection method: clinical testing. Allele origin: germline. Affected: no.

GeneDx
Classification: Likely benign. Last evaluated: 2019-05-08. Review status: criteria provided, single submitter. Criteria: GeneDx Variant Classification Process June 2021. Collection method: clinical testing. Allele origin: germline. Affected: yes.

Illumina Laboratory Services, Illumina
Classification: Uncertain significance for Cohen syndrome. Last evaluated: 2018-01-13. Review status: criteria provided, single submitter. Criteria: ICSL Variant Classification Criteria 13 December 2019. Collection method: clinical testing. Allele origin: germline.

Ambry Genetics
Classification: Likely benign for Inborn genetic diseases. Last evaluated: 2017-05-26. Review status: criteria provided, single submitter. Criteria: Ambry Variant Classification Scheme 2023. Collection method: clinical testing. Allele origin: germline.

Genetic Services Laboratory, University of Chicago
Classification: Uncertain significance. Last evaluated: 2015-03-24. Review status: criteria provided, single submitter. Criteria: ACMG Guidelines, 2015. Collection method: clinical testing. Allele origin: germline.

Natera, Inc.
Classification: Likely benign for Cohen syndrome. Last evaluated: 2020-09-16. Review status: no assertion criteria provided. Collection method: clinical testing. Allele origin: germline. Not counted in ClinVar's aggregate classification.

Clinical Genetics DNA and cytogenetics Diagnostics Lab, Erasmus MC, Erasmus Medical Center
Classification: Likely benign. Review status: no assertion criteria provided. Collection method: clinical testing. Allele origin: germline. Affected: yes. Study: VKGL Data-share Consensus. Not counted in ClinVar's aggregate classification.

Clinical Genetics, Academic Medical Center
Classification: Likely benign. Review status: no assertion criteria provided. Collection method: clinical testing. Allele origin: germline. Affected: yes. Study: VKGL Data-share Consensus. Not counted in ClinVar's aggregate classification.